The following is an entry in ClinVar:

ClinVar aggregate classification (germline): Uncertain significance (1 of 4 stars; one submission).

Submission:

GeneDx
Classification: Uncertain significance. Last evaluated: 2018-04-11. Review status: criteria provided, single submitter. Criteria: GeneDx Variant Classification (06012015). Collection method: clinical testing. Allele origin: germline. Affected: yes.
Comment: A variant of uncertain significance has been identified in the MBTPS2 gene. To our knowledge, the A232E variant has not been published as a pathogenic variant, nor has it been reported as a benign variant. It was not observed in approximately 6,500 individuals of European and African American ancestry in the NHLBI Exome Sequencing Project, indicating it is not a common benign variant in these populations. The A232E variant is a non-conservative amino acid substitution, which is likely to impact secondary protein structure as these residues differ in polarity, charge, size and/or other properties. Although this substitution occurs at a position where amino acids with similar properties to Alanine are tolerated across species, in silico analysis predicts this variant is probably damaging to the protein structure/function. Few missense variants in nearby residues (H227L, F229S) have been reported in the Human Gene Mutation Database in association with IFAP (Stenson et al., 2014). In summary, based on the currently available information, it is unclear whether this variant is a pathogenic variant or a rare benign variant.

NM_015884.4(MBTPS2):c.695C>A (p.Ala232Glu)

Gene: MBTPS2 (membrane bound transcription factor peptidase, site 2; plus strand). Cytogenetic location: Xp22.12.
Variant type: single nucleotide variant.
Coding change: c.695C>A on transcript NM_015884.4 (MANE Select); coding-DNA position 695, C replaced by A.
Protein change: p.Ala232Glu; replaces alanine 232 with glutamic acid.
Molecular consequence: missense variant.
Genome position (GRCh38, 1-based): chrX:21,868,491, C>A. VCF-style: chrX-21868491-C-A. GRCh37 (hg19) VCF-style: chrX-21886609-C-A.
Other names: short protein forms A232E.
Identifiers: ClinVar variation 392104 (VCV000392104.2), dbSNP rs1057524361, ClinGen allele CA16608865.